The following is an entry in ClinVar:

ClinVar aggregate classification (germline): Uncertain significance (1 of 4 stars; one submission).

Conditions:
Gorlin syndrome. Also called: Basal cell nevus syndrome; Nevoid Basal Cell Carcinoma Syndrome. Identifiers: Orphanet 377, MedGen C0004779, MONDO:0007187.

Submission:

Labcorp Genetics (formerly Invitae), Labcorp
Classification: Uncertain significance for Gorlin syndrome. Last evaluated: 2025-06-01. Review status: criteria provided, single submitter. Criteria: Invitae Variant Classification Sherloc (09022015). Collection method: clinical testing. Allele origin: germline.
Comment: This sequence change replaces valine, which is neutral and non-polar, with leucine, which is neutral and non-polar, at codon 1164 of the PTCH1 protein (p.Val1164Leu). This variant is not present in population databases (gnomAD no frequency). This variant has not been reported in the literature in individuals affected with PTCH1-related conditions. Invitae Evidence Modeling of protein sequence and biophysical properties (such as structural, functional, and spatial information, amino acid conservation, physicochemical variation, residue mobility, and thermodynamic stability) indicates that this missense variant is not expected to disrupt PTCH1 protein function with a negative predictive value of 95%. In summary, the available evidence is currently insufficient to determine the role of this variant in disease. Therefore, it has been classified as a Variant of Uncertain Significance.

NM_000264.5(PTCH1):c.3490G>C (p.Val1164Leu)

Gene: PTCH1 (patched 1; minus strand). Cytogenetic location: 9q22.32.
Variant type: single nucleotide variant.
Coding change: c.3490G>C on transcript NM_000264.5 (MANE Select); coding-DNA position 3490, G replaced by C.
Protein change: p.Val1164Leu; replaces valine 1164 with leucine.
Molecular consequence: missense variant. On other transcripts: non-coding transcript variant (1).
Genome position (GRCh38, 1-based): chr9:95,449,900, C>G on the plus strand (G>C on the coding strand, the complement: PTCH1 is on the minus strand). VCF-style: chr9-95449900-C-G. GRCh37 (hg19) VCF-style: chr9-98212182-C-G.
Other names: c.3292G>C, p.Val1098Leu (NM_001083602.3); c.3487G>C, p.Val1163Leu (NM_001083603.3); c.3037G>C, p.Val1013Leu (NM_001083604.3, NM_001083605.3, NM_001083606.3 and 1 more transcripts); c.3334G>C, p.Val1112Leu (NM_001354918.2); short protein forms V1013L, V1098L, V1112L, V1163L, V1164L.
Identifiers: ClinVar variation 4806247 (VCV004806247.1).
Genomic context (GRCh38, chr9:95,449,900, plus strand): 5'-CCTCAGGATATGGTCCAAAGAAAGACAAAAGCACGGGAAGCAAAACCAGCCCATTGAGAA[C>G]GCCGAGGATGGTGAGGATCGCCAGCACAGCAAAGAAATACCTGGGAGATCAAGAGGAAAC-3'
Protein context (NP_000255.2, residues 1154-1174): AVLAILTILG[Val1164Leu]LNGLVLLPVL